The following is an entry in ClinVar:

NM_003628.6(PKP4):c.1967C>T (p.Ala656Val)

Gene: PKP4 (plakophilin 4; plus strand). Cytogenetic location: 2q24.1.
Variant type: single nucleotide variant.
Coding change: c.1967C>T on transcript NM_003628.6 (MANE Select); coding-DNA position 1967, C replaced by T.
Protein change: p.Ala656Val; replaces alanine 656 with valine.
Molecular consequence: missense variant.
Genome position (GRCh38, 1-based): chr2:158,658,188, C>T. VCF-style: chr2-158658188-C-T. GRCh37 (hg19) VCF-style: chr2-159514700-C-T.
Other names: c.1967C>T, p.Ala656Val (NM_001005476.4, NM_001304971.2, NM_001377218.1 and 1 more transcripts); c.1964C>T, p.Ala655Val (NM_001304969.3, NM_001377219.1, NM_001377220.1 and 2 more transcripts); c.938C>T, p.Ala313Val (NM_001304970.3); c.1961C>T, p.Ala654Val (NM_001377222.1, NM_001377223.1); c.1958C>T, p.Ala653Val (NM_001377224.1); short protein forms A656V, A313V, A653V, A654V, A655V.
Identifiers: ClinVar variation 4138156 (VCV004138156.1).

ClinVar aggregate classification (germline): Uncertain significance (1 of 4 stars; one submission).

gnomAD v4.1: 1 of 1,602,410 alleles (0.000062%); highest among the groups gnomAD compares: South Asian, 0.0011%; no homozygotes.

Submission:

Ambry Genetics
Classification: Uncertain significance. Last evaluated: 2025-08-03. Review status: criteria provided, single submitter. Criteria: Ambry Variant Classification Scheme 2023. Collection method: clinical testing. Allele origin: germline.
Comment: The p.A656V variant (also known as c.1967C>T), located in coding exon 11 of the PKP4 gene, results from a C to T substitution at nucleotide position 1967. The alanine at codon 656 is replaced by valine, an amino acid with similar properties. This amino acid position is conserved. In addition, this alteration is predicted to be deleterious by in silico analysis. Based on the available evidence, the clinical significance of this variant remains unclear.